The following is an entry in ClinVar:

NM_003072.5(SMARCA4):c.4171-1737T>A

Gene: SMARCA4 (SWI/SNF related BAF chromatin remodeling complex subunit ATPase 4; plus strand). Cytogenetic location: 19p13.2.
Variant type: single nucleotide variant.
Coding change: c.4171-1737T>A on transcript NM_003072.5 (MANE Select); 1737 bases into the intron before coding-DNA position 4171, T replaced by A.
Molecular consequence: intron variant.
Genome position (GRCh38, 1-based): chr19:11,039,570, T>A. VCF-style: chr19-11039570-T-A. GRCh37 (hg19) VCF-style: chr19-11150246-T-A.
Other names: c.4171-1737T>A (NM_001128844.3); c.4266+17T>A (NM_001128849.3, NM_001387283.1); c.4072-1737T>A (NM_001128847.4, NM_001374457.1, NM_001128848.2); c.4072-1728T>A (NM_001128845.2, NM_001128846.2).
Identifiers: ClinVar variation 516522 (VCV000516522.10), dbSNP rs199543083, ClinGen allele CA9204651.

ClinVar aggregate classification (germline): Benign/Likely benign. Review status: criteria provided, multiple submitters, no conflicts (2 of 4 stars). 3 submissions from 3 submitters: Benign (1); Likely benign (2). Last evaluated 2026-02-03.

Conditions:
Rhabdoid tumor predisposition syndrome 2 (RTPS2). Identifiers: Orphanet 231108, Orphanet 69077, MedGen C2750074, MONDO:0013224, OMIM 613325.

Allele frequency attached by ClinVar (database versions not stated): gnomAD exomes 0.00010 and 0.00026; ExAC 0.00042; gnomAD 0.00101 and 0.00107; 1000 Genomes Project 30x 0.00109; 1000 Genomes Project 0.00120; TOPMed 0.00123; ESP Exome Variant Server 0.00126.
gnomAD v4.1: 298 of 1,544,960 alleles (0.019%); highest among the groups gnomAD compares: African/African-American, 0.39%; no homozygotes.

Submissions (3):

Labcorp Genetics (formerly Invitae), Labcorp
Classification: Benign for Rhabdoid tumor predisposition syndrome 2. Last evaluated: 2026-02-03. Review status: criteria provided, single submitter. Criteria: Invitae Variant Classification Sherloc (09022015). Collection method: clinical testing. Allele origin: germline.

Blueprint Genetics
Classification: Likely benign. Last evaluated: 2024-07-01. Review status: criteria provided, single submitter. Criteria: ACMG Guidelines, 2015. Collection method: clinical testing. Allele origin: germline.

GeneDx
Classification: Likely benign. Last evaluated: 2017-08-04. Review status: criteria provided, single submitter. Criteria: GeneDx Variant Classification (06012015). Collection method: clinical testing. Allele origin: germline. Affected: yes.
Comment: This variant is considered likely benign or benign based on one or more of the following criteria: it is a conservative change, it occurs at a poorly conserved position in the protein, it is predicted to be benign by multiple in silico algorithms, and/or has population frequency not consistent with disease.